The following is an entry in ClinVar:

ClinVar aggregate classification (germline): Uncertain significance (1 of 4 stars; one submission).

Conditions:
Hyperkalemic periodic paralysis. Also called: Familial hyperkalemic periodic paralysis; Gamstorp disease. Identifiers: Orphanet 682, MedGen C0238357, MONDO:0008224, OMIM 170500, HP:0007215.

Submission:

Labcorp Genetics (formerly Invitae), Labcorp
Classification: Uncertain significance for Hyperkalemic periodic paralysis. Last evaluated: 2023-12-01. Review status: criteria provided, single submitter. Criteria: Invitae Variant Classification Sherloc (09022015). Collection method: clinical testing. Allele origin: germline.
Comment: This sequence change replaces isoleucine, which is neutral and non-polar, with asparagine, which is neutral and polar, at codon 1594 of the SCN4A protein (p.Ile1594Asn). This variant is not present in population databases (gnomAD no frequency). This variant has not been reported in the literature in individuals affected with SCN4A-related conditions. ClinVar contains an entry for this variant (Variation ID: 1720809). Advanced modeling of protein sequence and biophysical properties (such as structural, functional, and spatial information, amino acid conservation, physicochemical variation, residue mobility, and thermodynamic stability) performed at Invitae indicates that this missense variant is expected to disrupt SCN4A protein function with a positive predictive value of 95%. In summary, the available evidence is currently insufficient to determine the role of this variant in disease. Therefore, it has been classified as a Variant of Uncertain Significance.

NM_000334.4(SCN4A):c.4781T>A (p.Ile1594Asn)

Genes: SCN4A (sodium voltage-gated channel alpha subunit 4; minus strand), GH-LCR (growth hormone locus control region; plus strand). Cytogenetic location: 17q23.3.
Variant type: single nucleotide variant.
Coding change: c.4781T>A on transcript NM_000334.4 (MANE Select); coding-DNA position 4781, T replaced by A.
Protein change: p.Ile1594Asn; replaces isoleucine 1594 with asparagine.
Molecular consequence: missense variant.
Genome position (GRCh38, 1-based): chr17:63,941,501, A>T on the plus strand (T>A on the coding strand, the complement: SCN4A is on the minus strand). VCF-style: chr17-63941501-A-T. GRCh37 (hg19) VCF-style: chr17-62018861-A-T.
Other names: short protein forms I1594N.
Identifiers: ClinVar variation 1720809 (VCV001720809.6), dbSNP rs2509284282, ClinGen allele CA400614990.